The following is an entry in ClinVar:

NM_001287.6(CLCN7):c.738+116_747del

Gene: CLCN7 (chloride voltage-gated channel 7; minus strand). Cytogenetic location: 16p13.3.
Variant type: Deletion.
Coding change: c.738+116_747del on transcript NM_001287.6 (MANE Select); 116 bases into the intron after coding-DNA position 738 through coding-DNA position 747, 250 bases deleted.
Molecular consequence: splice acceptor variant.
Genome position (GRCh38, 1-based): chr16:1,457,329-1,457,578, 250 bases deleted. GRCh37 (hg19): chr16:1,507,372-1,507,621.
Other names: c.666+116_675del (NM_001114331.3).
Identifiers: ClinVar variation 1360627 (VCV001360627.7), dbSNP rs2142381967, ClinGen allele CA2573151730.

ClinVar aggregate classification (germline): Uncertain significance (1 of 4 stars; one submission).

Submission:

Labcorp Genetics (formerly Invitae), Labcorp
Classification: Uncertain significance. Last evaluated: 2022-07-19. Review status: criteria provided, single submitter. Criteria: Invitae Variant Classification Sherloc (09022015). Collection method: clinical testing. Allele origin: germline.
Comment: In summary, the available evidence is currently insufficient to determine the role of this variant in disease. Therefore, it has been classified as a Variant of Uncertain Significance. Algorithms developed to predict the effect of sequence changes on RNA splicing suggest that this variant may disrupt the consensus splice site. ClinVar contains an entry for this variant (Variation ID: 1360627). This variant is also known as c.738+116_747del. This variant has not been reported in the literature in individuals affected with CLCN7-related conditions. This variant is not present in population databases (gnomAD no frequency). This sequence change falls in intron 8 of the CLCN7 gene. It does not directly change the encoded amino acid sequence of the CLCN7 protein.